The following is an entry in ClinVar:

NM_182914.3(SYNE2):c.2409C>A (p.Ser803=)

Gene: SYNE2 (spectrin repeat containing nuclear envelope protein 2; plus strand). Cytogenetic location: 14q23.2.
Variant type: single nucleotide variant.
Coding change: c.2409C>A on transcript NM_182914.3 (MANE Select); coding-DNA position 2409, C replaced by A.
Protein change: p.Ser803=; no amino-acid change (serine 803 retained).
Molecular consequence: synonymous variant.
Genome position (GRCh38, 1-based): chr14:63,990,506, C>A. VCF-style: chr14-63990506-C-A. GRCh37 (hg19) VCF-style: chr14-64457224-C-A.
Other names: c.2409C>A, p.Ser803= (NM_015180.6).
Identifiers: ClinVar variation 130493 (VCV000130493.24), dbSNP rs17101525, ClinGen allele CA155571.

ClinVar aggregate classification (germline): Benign. Review status: criteria provided, multiple submitters, no conflicts (2 of 4 stars). 6 submissions from 6 submitters: Benign (5). 1 of the submissions does not count toward it. Last evaluated 2026-02-04.

Conditions:
Emery-Dreifuss muscular dystrophy 5, autosomal dominant (EDMD5). Also called: EMERY-DREIFUSS MUSCULAR DYSTROPHY 5. Identifiers: Orphanet 261, MedGen C2751805, MONDO:0013072, OMIM 612999.

Allele frequency attached by ClinVar (database versions not stated): gnomAD exomes 0.00312 and 0.00794; ExAC 0.00983; gnomAD 0.03035 and 0.03277; ESP Exome Variant Server 0.03136; TOPMed 0.03385; 1000 Genomes Project 0.03594; 1000 Genomes Project 30x 0.03810.
gnomAD v4.1: 9,340 of 1,613,746 alleles (0.58%); highest among the groups gnomAD compares: African/African-American, 11%; 485 homozygotes.

Submissions (6):

Labcorp Genetics (formerly Invitae), Labcorp
Classification: Benign for Emery-Dreifuss muscular dystrophy 5, autosomal dominant. Last evaluated: 2026-02-04. Review status: criteria provided, single submitter. Criteria: Invitae Variant Classification Sherloc (09022015). Collection method: clinical testing. Allele origin: germline.

Athena Diagnostics
Classification: Benign. Last evaluated: 2025-02-24. Review status: criteria provided, single submitter. Criteria: Athena Diagnostics Criteria. Collection method: clinical testing. Allele origin: unknown.
Comment: The frequency of this variant in the general population is higher than would generally be expected for pathogenic variants in this gene.

GeneDx
Classification: Benign. Last evaluated: 2018-07-09. Review status: criteria provided, single submitter. Criteria: GeneDx Variant Classification Process June 2021. Collection method: clinical testing. Allele origin: germline. Affected: yes.

Illumina Laboratory Services, Illumina
Classification: Benign for Emery-Dreifuss muscular dystrophy 5, autosomal dominant. Last evaluated: 2018-01-13. Review status: criteria provided, single submitter. Criteria: ICSL Variant Classification Criteria 13 December 2019. Collection method: clinical testing. Allele origin: germline.
Comment: This variant was observed in the ICSL laboratory as part of a predisposition screen in an ostensibly healthy population. It had not been previously curated by ICSL or reported in the Human Gene Mutation Database (HGMD: prior to June 1st, 2018), and was therefore a candidate for classification through an automated scoring system. Utilizing variant allele frequency, disease prevalence and penetrance estimates, and inheritance mode, an automated score was calculated to assess if this variant is too frequent to cause the disease. Based on the score and internal cut-off values, a variant classified as benign is not then subjected to further curation. The score for this variant resulted in a classification of benign for this disease.

Breakthrough Genomics
Classification: Benign. Review status: criteria provided, single submitter. Criteria: ACMG Guidelines, 2015. Collection method: not provided. Allele origin: germline. Inheritance: Autosomal dominant inheritance. Affected: yes.

Genetic Services Laboratory, University of Chicago
Classification: Likely benign for AllHighlyPenetrant. Review status: no assertion criteria provided. Collection method: clinical testing. Allele origin: germline. Inheritance: Autosomal dominant inheritance. Not counted in ClinVar's aggregate classification.
Comment: Likely benign based on allele frequency in 1000 Genomes Project or ESP global frequency and its presence in a patient with a rare or unrelated disease phenotype. NOT Sanger confirmed.